The following is an entry in ClinVar:

ClinVar aggregate classification (germline): Uncertain significance. Review status: criteria provided, single submitter (1 of 4 stars). 2 submissions from 2 submitters: Uncertain significance (1). 1 of the submissions does not count toward it. Last evaluated 2025-12-08.

Conditions:
Glycogen storage disease, type II (IOPD). Also called: GLYCOGENOSIS, GENERALIZED, CARDIAC FORM; GSD II; Pompe Disease; Glycogen storage disease type 2; Acid maltase deficiency disease; Aglucosidase alfa. Identifiers: Orphanet 365, MedGen C0017921, MONDO:0009290, OMIM 232300.

Submissions (2):

Labcorp Genetics (formerly Invitae), Labcorp
Classification: Uncertain significance for Glycogen storage disease, type II. Last evaluated: 2025-12-08. Review status: criteria provided, single submitter. Criteria: Invitae Variant Classification Sherloc (09022015). Collection method: clinical testing. Allele origin: germline.
Comment: This sequence change replaces arginine, which is basic and polar, with proline, which is neutral and non-polar, at codon 794 of the GAA protein (p.Arg794Pro). This variant is not present in population databases (gnomAD no frequency). This variant has not been reported in the literature in individuals affected with GAA-related conditions. ClinVar contains an entry for this variant (Variation ID: 834304). Invitae Evidence Modeling of protein sequence and biophysical properties (such as structural, functional, and spatial information, amino acid conservation, physicochemical variation, residue mobility, and thermodynamic stability) indicates that this missense variant is not expected to disrupt GAA protein function with a negative predictive value of 95%. In summary, the available evidence is currently insufficient to determine the role of this variant in disease. Therefore, it has been classified as a Variant of Uncertain Significance.

Natera, Inc.
Classification: Uncertain significance for Glycogen storage disease type II. Last evaluated: 2025-04-06. Review status: no assertion criteria provided. Collection method: clinical testing. Allele origin: germline. Not counted in ClinVar's aggregate classification.

NM_000152.5(GAA):c.2381G>C (p.Arg794Pro)

Gene: GAA (alpha glucosidase; plus strand). Cytogenetic location: 17q25.3.
Variant type: single nucleotide variant.
Coding change: c.2381G>C on transcript NM_000152.5 (MANE Select); coding-DNA position 2381, G replaced by C.
Protein change: p.Arg794Pro; replaces arginine 794 with proline.
Molecular consequence: missense variant.
Genome position (GRCh38, 1-based): chr17:80,117,649, G>C. VCF-style: chr17-80117649-G-C. GRCh37 (hg19) VCF-style: chr17-78091448-G-C.
Other names: c.2381G>C, p.Arg794Pro (NM_001079803.3, NM_001079804.3); c.2381G>C (NM_000152.4); short protein forms R794P.
Identifiers: ClinVar variation 834304 (VCV000834304.11), dbSNP rs200505871, ClinGen allele CA401325058.
Genomic context (GRCh38, chr17:80,117,649, plus strand): 5'-TCTCCCTCCAGGTGCCAGTAGAGGCCCTTGGCAGCCTCCCACCCCCACCTGCAGCTCCCC[G>C]TGAGCCAGCCATCCACAGCGAGGGGCAGTGGGTGACGCTGCCGGCCCCCCTGGACACCAT-3'
Protein context (NP_000143.2, residues 784-804): GSLPPPPAAP[Arg794Pro]EPAIHSEGQW